The following is an entry in ClinVar:

ClinVar aggregate classification (germline): Benign/Likely benign. Review status: criteria provided, multiple submitters, no conflicts (2 of 4 stars). 12 submissions from 12 submitters: Benign (5); Likely benign (5). 2 of the submissions do not count toward it. Last evaluated 2026-02-04.

Conditions:
Multiple system atrophy 1, susceptibility to. Also called: MSA1, SUSCEPTIBILITY TO. Identifiers: MedGen C3714927, MONDO:0020715, OMIM 146500.
Coenzyme Q10 deficiency, primary, 1. Also called: UBIQUINONE DEFICIENCY 1; COENZYME Q DEFICIENCY 1; CoQ DEFICIENCY 1. Identifiers: Orphanet 255249, MedGen C3551954, MONDO:0011829, OMIM 607426.
Focal segmental glomerulosclerosis (FSGS). Also called: Glomerulosclerosis, focal; Focal sclerosis with hyalinosis. Identifiers: MedGen C0017668, MONDO:0100313, HP:0000097. Disease mechanism: loss of function.

Allele frequency attached by ClinVar (database versions not stated): ESP Exome Variant Server 0.01680; TOPMed 0.01648; 1000 Genomes Project 0.00998; 1000 Genomes Project 30x 0.01062.
gnomAD v4.1: 33,658 of 1,546,968 alleles (2.2%); highest among the groups gnomAD compares: Non-Finnish European, 2.5%; 428 homozygotes.

Submissions (12):

Labcorp Genetics (formerly Invitae), Labcorp
Classification: Benign. Last evaluated: 2026-02-04. Review status: criteria provided, single submitter. Criteria: Invitae Variant Classification Sherloc (09022015). Collection method: clinical testing. Allele origin: germline.

CeGaT Center for Human Genetics Tuebingen
Classification: Benign. Last evaluated: 2025-07-01. Review status: criteria provided, single submitter. Criteria: CeGaT Center For Human Genetics Tuebingen Variant Classification Criteria Version 2. Collection method: clinical testing. Allele origin: germline. Affected: yes. Observed: 5 variant alleles.
Comment: COQ2: BS1, BS2

Blueprint Genetics
Classification: Likely benign. Last evaluated: 2024-11-26. Review status: criteria provided, single submitter. Criteria: ACMG Guidelines, 2015. Collection method: clinical testing. Allele origin: germline.

Genome Diagnostics Laboratory, The Hospital for Sick Children
Classification: Benign for Focal segmental glomerulosclerosis. Last evaluated: 2022-03-14. Review status: criteria provided, single submitter. Criteria: ACMG Guidelines, 2015. Collection method: clinical testing. Allele origin: germline.

Fulgent Genetics
Classification: Likely benign for Multiple system atrophy 1, susceptibility to; Coenzyme Q10 deficiency, primary, 1. Last evaluated: 2021-10-02. Review status: criteria provided, single submitter. Criteria: ACMG Guidelines, 2015. Collection method: clinical testing. Allele origin: unknown.

Eurofins Ntd Llc (ga)
Classification: Benign. Last evaluated: 2017-07-13. Review status: criteria provided, single submitter. Criteria: EGL Classification Definitions 2015. Collection method: clinical testing. Allele origin: germline. Observed: 1 variant allele, 1 heterozygote.

Laboratory for Molecular Medicine, Mass General Brigham Personalized Medicine
Classification: Likely benign. Last evaluated: 2016-03-29. Review status: criteria provided, single submitter. Criteria: LMM Criteria. Collection method: clinical testing. Allele origin: germline.
Comment: Variant identified in a genome or exome case(s) and assessed due to predicted null impact of the variant or pathogenic assertions in the literature or databases. Disclaimer: This variant has not undergone full assessment. The following are preliminary notes: Frequency in ESP (all): 198/11788=1.67%

PreventionGenetics, part of Exact Sciences
Classification: Likely benign. Last evaluated: 2016-02-23. Review status: criteria provided, single submitter. Criteria: ACMG Guidelines, 2015. Collection method: clinical testing. Allele origin: germline.

GeneDx
Classification: Benign. Last evaluated: 2012-03-20. Review status: criteria provided, single submitter. Criteria: GeneDx Variant Classification (06012015). Collection method: clinical testing. Allele origin: germline. Affected: yes.
Comment: This variant is considered likely benign or benign based on one or more of the following criteria: it is a conservative change, it occurs at a poorly conserved position in the protein, it is predicted to be benign by multiple in silico algorithms, and/or has population frequency not consistent with disease.

Breakthrough Genomics
Classification: Likely benign. Review status: criteria provided, single submitter. Criteria: ACMG Guidelines, 2015. Collection method: not provided. Allele origin: germline. Inheritance: Autosomal recessive inheritance. Affected: yes.

SingHealth Duke-NUS Institute of Precision Medicine
Classification: Uncertain significance for Coenzyme Q10 deficiency, primary, 1. Last evaluated: 2017-06-07. Review status: no assertion criteria provided. Collection method: curation. Allele origin: germline. Affected: no. Not counted in ClinVar's aggregate classification.

Mayo Clinic Laboratories, Mayo Clinic
Classification: Benign. Last evaluated: 2016-03-07. Review status: no assertion criteria provided. Collection method: clinical testing. Allele origin: unknown. Not counted in ClinVar's aggregate classification.

NM_015697.9(COQ2):c.64A>T (p.Arg22Ter)

Genes: COQ2 (coenzyme Q2, polyprenyltransferase; minus strand), LOC112997540 (Sharpr-MPRA regulatory region 13773; plus strand). Cytogenetic location: 4q21.23.
Variant type: single nucleotide variant.
Coding change: c.64A>T on transcript NM_015697.9; coding-DNA position 64, A replaced by T.
Protein change: p.Arg22Ter; replaces arginine 22 with a stop codon.
Molecular consequence: nonsense.
Genome position (GRCh38, 1-based): chr4:83,284,851, T>A on the plus strand (A>T on the coding strand, the complement: COQ2 is on the minus strand). VCF-style: chr4-83284851-T-A. GRCh37 (hg19) VCF-style: chr4-84206004-T-A.
Other names: p.R22*:AGA>TGA; short protein forms R22*.
Identifiers: ClinVar variation 136978 (VCV000136978.32), dbSNP rs112033303, ClinGen allele CA290430.
Genomic context (GRCh38, chr4:83,284,851, plus strand): 5'-GGATTGACGTCATTCCCCGGCAGGCATGCGCAGTGGCACCCGCAGGATGCAATCCTAGTC[T>A]GCCAGGCTGGGCGGCGGTGTGGGCAGAACCTTTCCTCATCCTTACTTGTGAAATTGGGGT-3'